The following is an entry in ClinVar:

ClinVar aggregate classification (germline): Uncertain significance (1 of 4 stars; one submission).

Conditions:
Dilated cardiomyopathy 1G (CMD1G). Identifiers: Orphanet 154, MedGen C1858763, MONDO:0011400, OMIM 604145.

gnomAD v4.1: 17 of 1,613,434 alleles (0.0011%); highest among the groups gnomAD compares: African/African-American, 0.011%; no homozygotes.

Submission:

IMHOTEP Cardiovascular Genetics Laboratory, University of Cape Town
Classification: Uncertain significance for Dilated cardiomyopathy 1G. Last evaluated: 2025-07-14. Review status: criteria provided, single submitter. Criteria: ACMG Guidelines, 2015. Collection method: research. Allele origin: germline. Inheritance: Autosomal unknown. Affected: yes.
Comment: Using ACMG/AMP PM1; BP4 and BP7 criteria, the classification of this variant is "Uncertain Significance".

NM_001267550.2(TTN):c.73976G>C (p.Gly24659Ala)

Genes: TTN (titin; minus strand), TTN-AS1 (TTN antisense RNA 1; plus strand). Cytogenetic location: 2q31.2.
Variant type: single nucleotide variant.
Coding change: c.73976G>C on transcript NM_001267550.2 (MANE Select); coding-DNA position 73976, G replaced by C.
Protein change: p.Gly24659Ala; replaces glycine 24659 with alanine.
Molecular consequence: missense variant.
Genome position (GRCh38, 1-based): chr2:178,572,156, C>G on the plus strand (G>C on the coding strand, the complement: TTN is on the minus strand). VCF-style: chr2-178572156-C-G. GRCh37 (hg19) VCF-style: chr2-179436883-C-G.
Other names: c.69053G>C, p.Gly23018Ala (NM_001256850.1); c.46781G>C, p.Gly15594Ala (NM_003319.4); c.66272G>C, p.Gly22091Ala (NM_133378.4); c.47156G>C, p.Gly15719Ala (NM_133432.3); c.47357G>C, p.Gly15786Ala (NM_133437.4); short protein forms G15594A, G15719A, G15786A, G22091A, G23018A, G24659A.
Identifiers: ClinVar variation 4072373 (VCV004072373.1).
Genomic context (GRCh38, chr2:178,572,156, plus strand): 5'-AATCCAGTGATAGTGGCTTCAGTGACCTTGACTGTGGCACACGTGGCCCATTTGTCACTG[C>G]CTTTGGTCTGCATCTCCACAATGTAGCCTAGAATTCGGCTGCCTCCATCATGCTCTGGTT-3'
Protein context (NP_001254479.2, residues 24649-24669): LGYIVEMQTK[Gly24659Ala]SDKWATCATV